The following is an entry in ClinVar:

NM_152336.4(AGBL1):c.3287A>G (p.Asn1096Ser)

Genes: AGBL1 (AGBL carboxypeptidase 1; plus strand), LOC102724452 (uncharacterized LOC102724452; minus strand). Cytogenetic location: 15q25.3.
Variant type: single nucleotide variant.
Coding change: c.3287A>G on transcript NM_152336.4; coding-DNA position 3287, A replaced by G.
Protein change: p.Asn1096Ser; replaces asparagine 1096 with serine.
Molecular consequence: missense variant.
Genome position (GRCh38, 1-based): chr15:86,988,052, A>G. VCF-style: chr15-86988052-A-G. GRCh37 (hg19) VCF-style: chr15-87531283-A-G.
Other names: NC_000015.9:g.87531283A>G; short protein forms N1096S.
Identifiers: ClinVar variation 2645666 (VCV002645666.24), dbSNP rs114992033, ClinGen allele CA7716420.

ClinVar aggregate classification (germline): Benign. Review status: criteria provided, single submitter (1 of 4 stars). 2 submissions from 2 submitters: Benign (1). 1 of the submissions does not count toward it. Last evaluated 2022-08-01.

Conditions:
AGBL1-related disorder. Also called: AGBL1-related condition.

Allele frequency attached by ClinVar (database versions not stated): gnomAD 0.00360; 1000 Genomes Project 0.00280; 1000 Genomes Project 30x 0.00297; ESP Exome Variant Server 0.00370; ExAC 0.00379; TOPMed 0.00399.
gnomAD v4.1: 6,199 of 1,613,578 alleles (0.38%); highest among the groups gnomAD compares: Middle Eastern, 2.1%; 22 homozygotes.

Submissions (4):

CeGaT Center for Human Genetics Tuebingen
Classification: Benign. Last evaluated: 2022-08-01. Review status: criteria provided, single submitter. Criteria: CeGaT Center For Human Genetics Tuebingen Variant Classification Criteria Version 2. Collection method: clinical testing. Allele origin: germline. Affected: yes. Observed: 1 variant allele.
Comment: AGBL1: BP4, BS1, BS2

PreventionGenetics, part of Exact Sciences
Classification: Likely benign for AGBL1-related condition. Last evaluated: 2019-06-21. Review status: no assertion criteria provided. Collection method: clinical testing. Allele origin: germline. Not counted in ClinVar's aggregate classification.
Comment: This variant is classified as likely benign based on ACMG/AMP sequence variant interpretation guidelines (Richards et al. 2015 PMID: 25741868, with internal and published modifications).

Dr. Peter K. Rogan Lab, Western University
No classification provided (evidence only). Condition: Sarcoma. Review status: no classification provided. Collection method: in vitro. Allele origin: not applicable. Functional consequence: retained intron. Not counted in ClinVar's aggregate classification.

Dr. Peter K. Rogan Lab, Western University
No classification provided (evidence only). Condition: Nonpapillary renal cell carcinoma. Review status: no classification provided. Collection method: in vitro. Allele origin: not applicable. Functional consequence: retained intron. Not counted in ClinVar's aggregate classification.